The following is an entry in ClinVar:

ClinVar aggregate classification (germline): Uncertain significance (1 of 4 stars; one submission).

Submission:

Ambry Genetics
Classification: Uncertain significance. Last evaluated: 2025-09-25. Review status: criteria provided, single submitter. Criteria: Ambry Variant Classification Scheme 2023. Collection method: clinical testing. Allele origin: germline.
Comment: The c.602G>A (p.C201Y) alteration is located in exon 9 (coding exon 8) of the ARID4B gene. This alteration results from a G to A substitution at nucleotide position 602, causing the cysteine (C) at amino acid position 201 to be replaced by a tyrosine (Y). Based on data from gnomAD, the A allele has an overall frequency of <0.001% (1/242194) total alleles studied. The highest observed frequency was <0.001% (/) of alleles. Based on insufficient or conflicting evidence, the clinical significance of this alteration remains unclear.

NM_016374.6(ARID4B):c.602G>A (p.Cys201Tyr)

Gene: ARID4B (AT-rich interaction domain 4B; minus strand). Cytogenetic location: 1q42.3.
Variant type: single nucleotide variant.
Coding change: c.602G>A on transcript NM_016374.6 (MANE Select); coding-DNA position 602, G replaced by A.
Protein change: p.Cys201Tyr; replaces cysteine 201 with tyrosine.
Molecular consequence: missense variant. On other transcripts: non-coding transcript variant (1).
Genome position (GRCh38, 1-based): chr1:235,234,476, C>T on the plus strand (G>A on the coding strand, the complement: ARID4B is on the minus strand). VCF-style: chr1-235234476-C-T. GRCh37 (hg19) VCF-style: chr1-235397791-C-T.
Other names: c.602G>A, p.Cys201Tyr (NM_001206794.2, NM_031371.4); short protein forms C201Y.
Identifiers: ClinVar variation 4642917 (VCV004642917.1).